The following is an entry in ClinVar:

NM_005228.5(EGFR):c.1072C>T (p.His358Tyr)

Genes: EGFR (epidermal growth factor receptor; plus strand), LOC126860048 (P300/CBP strongly-dependent group 1 enhancer GRCh37_chr7:55223847-55225046; plus strand). Cytogenetic location: 7p11.2.
Variant type: single nucleotide variant.
Coding change: c.1072C>T on transcript NM_005228.5 (MANE Select); coding-DNA position 1072, C replaced by T.
Protein change: p.His358Tyr; replaces histidine 358 with tyrosine.
Molecular consequence: missense variant.
Genome position (GRCh38, 1-based): chr7:55,156,598, C>T. VCF-style: chr7-55156598-C-T. GRCh37 (hg19) VCF-style: chr7-55224291-C-T.
Other names: c.937C>T, p.His313Tyr (NM_001346897.2, NM_001346899.2); c.1072C>T, p.His358Tyr (NM_001346898.2, NM_201282.2, NM_201283.2 and 1 more transcripts); c.913C>T, p.His305Tyr (NM_001346900.2); c.271C>T, p.His91Tyr (NM_001346941.2); short protein forms H91Y, H313Y, H305Y, H358Y.
Identifiers: ClinVar variation 1517474 (VCV001517474.6), dbSNP rs2128938304, ClinGen allele CA367578331.

ClinVar aggregate classification (germline): Uncertain significance (1 of 4 stars; one submission).

Conditions:
EGFR-related lung cancer (EGFR). Identifiers: MedGen CN130014.

gnomAD v4.1: 1 of 1,614,254 alleles (0.000062%); no homozygotes.

Submission:

Labcorp Genetics (formerly Invitae), Labcorp
Classification: Uncertain significance for EGFR-related lung cancer. Last evaluated: 2022-10-18. Review status: criteria provided, single submitter. Criteria: Invitae Variant Classification Sherloc (09022015). Collection method: clinical testing. Allele origin: germline.
Comment: In summary, the available evidence is currently insufficient to determine the role of this variant in disease. Therefore, it has been classified as a Variant of Uncertain Significance. Advanced modeling of protein sequence and biophysical properties (such as structural, functional, and spatial information, amino acid conservation, physicochemical variation, residue mobility, and thermodynamic stability) performed at Invitae indicates that this missense variant is not expected to disrupt EGFR protein function. ClinVar contains an entry for this variant (Variation ID: 1517474). This variant has not been reported in the literature in individuals affected with EGFR-related conditions. This variant is not present in population databases (gnomAD no frequency). This sequence change replaces histidine, which is basic and polar, with tyrosine, which is neutral and polar, at codon 358 of the EGFR protein (p.His358Tyr).